The following is an entry in ClinVar:

NM_000268.4(NF2):c.240+5_240+6del

Gene: NF2 (NF2, moesin-ezrin-radixin like (MERLIN) tumor suppressor; plus strand). Cytogenetic location: 22q12.2.
Variant type: Deletion.
Coding change: c.240+5_240+6del on transcript NM_000268.4 (MANE Select); bases 5 to 6 of the intron after coding-DNA position 240, 2 bases deleted (GG; older notation c.240+5_240+6delGG).
Molecular consequence: intron variant. On other transcripts: 5 prime UTR variant (1).
Genome position (GRCh38, 1-based): chr22:29,636,881-29,636,882, GG deleted; deleting any 2 consecutive bases within chr22:29,636,880-29,636,882 gives the same sequence; the c. name uses the placement nearest the transcript's 3' end. VCF-style (leftmost placement, unchanged base first): chr22-29636879-TGG-T. GRCh37 (hg19) VCF-style: chr22-30032868-TGG-T.
Other names: c.-12_-11del (NM_001407067.1); c.240+5_240+6del (NM_016418.5, NM_181832.3, NM_001407060.1 and 9 more transcripts); c.126+5_126+6del (NM_001407056.1, NM_001407053.1); c.-401+5_-401+6del (NM_001407065.1); c.115-2209_115-2208del (NM_181828.3, NM_001407055.1); c.115-5321_115-5320del (NM_001407063.1, NM_181830.3, NM_001407064.1 and 1 more transcripts).
Identifiers: ClinVar variation 2811940 (VCV002811940.3), dbSNP rs2518415994, ClinGen allele CA2739267862.

ClinVar aggregate classification (germline): Uncertain significance (1 of 4 stars; one submission).

Conditions:
Neurofibromatosis, type 2 (SWNV). Also called: BILATERAL ACOUSTIC NEUROFIBROMATOSIS; NF2-Related Schwannomatosis; SCHWANNOMATOSIS, VESTIBULAR. Identifiers: Orphanet 637, MedGen C0027832, MONDO:0007039, OMIM 101000. Disease mechanism: loss of function.

Submission:

Labcorp Genetics (formerly Invitae), Labcorp
Classification: Uncertain significance for Neurofibromatosis, type 2. Last evaluated: 2022-11-05. Review status: criteria provided, single submitter. Criteria: Invitae Variant Classification Sherloc (09022015). Collection method: clinical testing. Allele origin: germline.
Comment: In summary, the available evidence is currently insufficient to determine the role of this variant in disease. Therefore, it has been classified as a Variant of Uncertain Significance. Variants that disrupt the consensus splice site are a relatively common cause of aberrant splicing (PMID: 17576681, 9536098). Algorithms developed to predict the effect of sequence changes on RNA splicing suggest that this variant may disrupt the consensus splice site. This variant has not been reported in the literature in individuals affected with NF2-related conditions. This variant is not present in population databases (gnomAD no frequency). This sequence change falls in intron 2 of the NF2 gene. It does not directly change the encoded amino acid sequence of the NF2 protein. It affects a nucleotide within the consensus splice site.

Literature cited by the submitters: PubMed 17576681; PubMed 9536098.